The following is an entry in ClinVar:

ClinVar aggregate classification (germline): Uncertain significance. Review status: criteria provided, multiple submitters, no conflicts (2 of 4 stars). 2 submissions from 2 submitters: Uncertain significance (2). Last evaluated 2024-08-06.

Conditions:
Emery-Dreifuss muscular dystrophy 5, autosomal dominant (EDMD5). Also called: EMERY-DREIFUSS MUSCULAR DYSTROPHY 5. Identifiers: Orphanet 261, MedGen C2751805, MONDO:0013072, OMIM 612999.

Allele frequency attached by ClinVar (database versions not stated): gnomAD exomes below 0.00001; TOPMed below 0.00001.
gnomAD v4.1: 1 of 1,613,078 alleles (0.000062%); highest among the groups gnomAD compares: Admixed American, 0.0017%; no homozygotes.

Submissions (2):

Ambry Genetics
Classification: Uncertain significance. Last evaluated: 2024-08-06. Review status: criteria provided, single submitter. Criteria: Ambry Variant Classification Scheme 2023. Collection method: clinical testing. Allele origin: germline.

Labcorp Genetics (formerly Invitae), Labcorp
Classification: Uncertain significance for Emery-Dreifuss muscular dystrophy 5, autosomal dominant. Last evaluated: 2023-02-06. Review status: criteria provided, single submitter. Criteria: Invitae Variant Classification Sherloc (09022015). Collection method: clinical testing. Allele origin: germline.
Comment: This sequence change replaces arginine, which is basic and polar, with lysine, which is basic and polar, at codon 1204 of the SYNE2 protein (p.Arg1204Lys). This variant is present in population databases (no rsID available, gnomAD 0.003%). This variant has not been reported in the literature in individuals affected with SYNE2-related conditions. Algorithms developed to predict the effect of missense changes on protein structure and function (SIFT, PolyPhen-2, Align-GVGD) all suggest that this variant is likely to be tolerated. In summary, the available evidence is currently insufficient to determine the role of this variant in disease. Therefore, it has been classified as a Variant of Uncertain Significance.

NM_182914.3(SYNE2):c.3611G>A (p.Arg1204Lys)

Gene: SYNE2 (spectrin repeat containing nuclear envelope protein 2; plus strand). Cytogenetic location: 14q23.2.
Variant type: single nucleotide variant.
Coding change: c.3611G>A on transcript NM_182914.3 (MANE Select); coding-DNA position 3611, G replaced by A.
Protein change: p.Arg1204Lys; replaces arginine 1204 with lysine.
Molecular consequence: missense variant.
Genome position (GRCh38, 1-based): chr14:64,000,692, G>A. VCF-style: chr14-64000692-G-A. GRCh37 (hg19) VCF-style: chr14-64467410-G-A.
Other names: c.3611G>A, p.Arg1204Lys (NM_015180.6); c.3611G>A (NM_182914.2); short protein forms R1204K.
Identifiers: ClinVar variation 2964186 (VCV002964186.4), dbSNP rs1281190567, ClinGen allele CA389993906.